The following is an entry in ClinVar:

NM_001370259.2(MEN1):c.878dup (p.Gly294fs)

Gene: MEN1 (menin 1; minus strand). Cytogenetic location: 11q13.1.
Variant type: Duplication.
Coding change: c.878dup on transcript NM_001370259.2 (MANE Select); coding-DNA position 878, one base duplicated (C; older notation c.878dupC).
Protein change: p.Gly294fs; shifts the reading frame from glycine 294.
Molecular consequence: frameshift variant. On other transcripts: non-coding transcript variant (4).
Genome position (GRCh38, 1-based): chr11:64,807,045, G duplicated on the plus strand (C on the coding strand, the reverse complement: MEN1 is on the minus strand); the first of 4 consecutive G bases (chr11:64,807,045-64,807,048); duplicating any one gives the same sequence. VCF-style (leftmost placement, unchanged base first): chr11-64807044-A-AG. GRCh37 (hg19) VCF-style: chr11-64574516-A-AG.
Other names: c.893dup, p.Gly299fs (NM_000244.4, NM_001407145.1, NM_001407150.1 and 5 more transcripts); c.878dup, p.Gly294fs (NM_001370251.2, NM_001370260.2, NM_001370261.2 and 7 more transcripts); c.773dup, p.Gly259fs (NM_001370262.2, NM_001370263.2, NM_001407148.1 and 2 more transcripts); c.878dupC (NM_130799.2); short protein forms G259fs, G294fs, G299fs.
Identifiers: ClinVar variation 5024308 (VCV005024308.1).

ClinVar aggregate classification (germline): Pathogenic (1 of 4 stars; one submission).

Conditions:
Hereditary cancer-predisposing syndrome. Also called: Neoplastic Syndromes, Hereditary; Tumor predisposition; Hereditary neoplastic syndrome; Hereditary Cancer Syndrome. Identifiers: Orphanet 140162, MedGen C0027672, MeSH D009386, MONDO:0015356.

Submission:

Ambry Genetics
Classification: Pathogenic for Hereditary cancer-predisposing syndrome. Last evaluated: 2026-09-02. Review status: criteria provided, single submitter. Criteria: Ambry Variant Classification Scheme 2023. Collection method: clinical testing. Allele origin: germline.
Comment: The c.878dupC variant, located in coding exon 5 of the MEN1 gene, results from a duplication of C at nucleotide position 878, causing a translational frameshift with a predicted alternate stop codon (p.G294Wfs*23). This variant is considered to be rare based on population cohorts in the Genome Aggregation Database (gnomAD). This alteration is expected to result in loss of function by premature protein truncation or nonsense-mediated mRNA decay. As such, this alteration is interpreted as a disease-causing mutation.